The following is an entry in ClinVar:

NM_007294.4(BRCA1):c.5578del (p.His1860fs)

Gene: BRCA1 (BRCA1 DNA repair associated; minus strand). Cytogenetic location: 17q21.31.
Variant type: Deletion.
Coding change: c.5578del on transcript NM_007294.4 (MANE Select); coding-DNA position 5578, one base deleted (C; older notation c.5578delC).
Protein change: p.His1860fs; shifts the reading frame from histidine 1860.
Molecular consequence: frameshift variant. On other transcripts: 3 prime UTR variant (1), non-coding transcript variant (1).
Genome position (GRCh38, 1-based): chr17:43,045,692, G deleted on the plus strand (C on the coding strand, the reverse complement: BRCA1 is on the minus strand); the first of 5 consecutive G bases (chr17:43,045,692-43,045,696); deleting any one gives the same sequence. VCF-style (leftmost placement, unchanged base first): chr17-43045691-TG-T. GRCh37 (hg19) VCF-style: chr17-41197708-TG-T.
Other names: c.5361delC, p.His1789Thrfs (NM_001407571.1, NM_001407894.1, NM_001407895.1 and 12 more transcripts); c.5640delC, p.His1882Thrfs (NM_001407581.1, NM_001407582.1); c.5637delC, p.His1881Thrfs (NM_001407583.1, NM_001407585.1, NM_001407587.1); c.5634delC, p.His1880Thrfs (NM_001407590.1, NM_001407591.1); c.5574delC, p.His1860Thrfs (NM_001407593.1, NM_001407594.1, NM_001407596.1 and 5 more transcripts); c.5571delC, p.His1859Thrfs (NM_001407610.1, NM_001407611.1, NM_001407612.1 and 14 more transcripts); c.5568delC, p.His1858Thrfs (NM_001407627.1, NM_001407628.1, NM_001407629.1 and 13 more transcripts); c.5565delC, p.His1857Thrfs (NM_001407644.1, NM_001407645.1); and 77 more; short protein forms H1813fs, H1860fs, H1881fs, H756fs.
Identifiers: ClinVar variation 988556 (VCV000988556.24), dbSNP rs397507254, ClinGen allele CA919844136.
Genomic context (GRCh38, chr17:43,045,691, plus strand): 5'-AGCTCATTCTTGGGGTCCTGTGGCTCTGTACCTGTGGCTGGCTGCAGTCAGTAGTGGCTG[TG>T]GGGGATCTGGGGTATCAGGTAGGTGTCCAGCTCCTGGCACTGGTAGAGTGCTACACTGTC-3'

ClinVar aggregate classification (germline): Likely pathogenic. Review status: criteria provided, multiple submitters, no conflicts (2 of 4 stars). 3 submissions from 3 submitters: Likely pathogenic (2). 1 of the submissions does not count toward it. Last evaluated 2024-07-09.

Conditions:
Hereditary cancer-predisposing syndrome. Also called: Tumor predisposition; Hereditary Cancer Syndrome; Hereditary neoplastic syndrome; Neoplastic Syndromes, Hereditary. Identifiers: Orphanet 140162, MedGen C0027672, MeSH D009386, MONDO:0015356.
Breast-ovarian cancer, familial, susceptibility to, 1 (BROVCA1). Also called: BRCA1 Hereditary Breast and Ovarian Cancer; OVARIAN CANCER, SUSCEPTIBILITY TO. Identifiers: Orphanet 145, MedGen C2676676, MONDO:0011450, OMIM 604370. Disease mechanism: loss of function.

Submissions (3):

Color Diagnostics, LLC DBA Color Health
Classification: Likely pathogenic for Hereditary cancer-predisposing syndrome. Last evaluated: 2024-07-09. Review status: criteria provided, single submitter. Criteria: ACMG Guidelines, 2015. Collection method: clinical testing. Allele origin: germline.
Comment: This variant deletes 1 nucleotide in exon 23 of the BRCA1 gene, creating a frameshift in the last coding exon. This variant is not expected to trigger nonsense-mediated decay and it causes a frameshift at codon 1860 after the structurally and functionally defined important amino acids in the BRCT domain (PMID: 11573086, 20516115, 30765603). The variant protein is predicted to have a carboxyl-terminal extension of 57 amino acids. A functional study has reported that this variant BRCA1 protein is unstable, showing defects in transcription activation, homology-directed DNA repair, yeast small colony phenotype and colony formation assays (PMID: 37718511). This variant has been reported in an individual affected with three primary incidences of breast cancer affecting both breast in one family and in two sisters affected with ovarian cancer in another family (PMID: 37718511). In each of these two families, there was also one confirmed non-carrier affected with bilateral breast cancer or ovarian cancer, suggesting incomplete segregation (PMID: 37718511). This variant also has been reported in an individual affected with ovarian cancer (PMID: 36579549) and in an individual unaffected by cancer (PMID: 32467295). Another variant with a similar C-terminal extension, c.5569del (p.Gln1857Argfs*65), also has been shown to cause an unstable variant protein and is reported to be detected in at least one individual affected with BRCA1-associated phenotypes (PMID: 37718511; ClinVar accession SCV000549427.9). This variant has not been identified in the general population by the Genome Aggregation Database (gnomAD). Loss of BRCA1 function is a known mechanism of disease. Based on the available evidence, this variant is classified as Likely Pathogenic.

Clinical Genetics and Genomics, Karolinska University Hospital
Classification: Likely pathogenic. Last evaluated: 2018-01-05. Review status: criteria provided, single submitter. Criteria: ACMG Guidelines, 2015. Collection method: clinical testing. Allele origin: germline. Affected: yes. Observed: 1 variant allele.

BRCAlab, Lund University
Classification: Likely pathogenic for Breast-ovarian cancer, familial, susceptibility to, 1. Last evaluated: 2022-08-26. Review status: no assertion criteria provided. Collection method: clinical testing. Allele origin: germline. Affected: yes. Not counted in ClinVar's aggregate classification.

Literature cited by the submitters: PubMed 11573086 (cited by Color Diagnostics, LLC DBA Color Health); PubMed 20516115 (cited by Color Diagnostics, LLC DBA Color Health); PubMed 30765603 (cited by Color Diagnostics, LLC DBA Color Health); PubMed 32467295 (cited by Color Diagnostics, LLC DBA Color Health); PubMed 36579549 (cited by Color Diagnostics, LLC DBA Color Health); PubMed 37718511 (cited by Color Diagnostics, LLC DBA Color Health).